The following is an entry in ClinVar:

ClinVar aggregate classification (germline): Uncertain significance (1 of 4 stars; one submission).

Conditions:
Familial cancer of breast. Also called: hereditary breast carcinoma; Hereditary breast cancer; BREAST CANCER, FAMILIAL. Identifiers: Orphanet 227535, MedGen C0346153, MONDO:0016419, OMIM 114480. Disease mechanism: loss of function.

Submission:

Labcorp Genetics (formerly Invitae), Labcorp
Classification: Uncertain significance for Familial cancer of breast. Last evaluated: 2025-01-27. Review status: criteria provided, single submitter. Criteria: Invitae Variant Classification Sherloc (09022015). Collection method: clinical testing. Allele origin: germline.
Comment: This sequence change replaces alanine, which is neutral and non-polar, with proline, which is neutral and non-polar, at codon 195 of the BARD1 protein (p.Ala195Pro). This variant is not present in population databases (gnomAD no frequency). This variant has not been reported in the literature in individuals affected with BARD1-related conditions. ClinVar contains an entry for this variant (Variation ID: 2002399). An algorithm developed to predict the effect of missense changes on protein structure and function outputs the following: PolyPhen-2: "Benign". The proline amino acid residue is found in multiple mammalian species, which suggests that this missense change does not adversely affect protein function. In summary, the available evidence is currently insufficient to determine the role of this variant in disease. Therefore, it has been classified as a Variant of Uncertain Significance.

NM_000465.4(BARD1):c.583G>C (p.Ala195Pro)

Gene: BARD1 (BRCA1 associated RING domain 1; minus strand). Cytogenetic location: 2q35.
Variant type: single nucleotide variant.
Coding change: c.583G>C on transcript NM_000465.4 (MANE Select); coding-DNA position 583, G replaced by C.
Protein change: p.Ala195Pro; replaces alanine 195 with proline.
Molecular consequence: missense variant. On other transcripts: non-coding transcript variant (2), intron variant (3).
Genome position (GRCh38, 1-based): chr2:214,781,291, C>G on the plus strand (G>C on the coding strand, the complement: BARD1 is on the minus strand). VCF-style: chr2-214781291-C-G. GRCh37 (hg19) VCF-style: chr2-215646015-C-G.
Other names: c.526G>C, p.Ala176Pro (NM_001282543.2); c.158+28121G>C (NM_001282548.2); c.215+15770G>C (NM_001282545.2); c.364+11006G>C (NM_001282549.2); short protein forms A195P, A176P.
Identifiers: ClinVar variation 2002399 (VCV002002399.4), dbSNP rs755641562, ClinGen allele CA350456826.